The following is an entry in ClinVar:

ClinVar aggregate classification (germline): Uncertain significance. Review status: criteria provided, multiple submitters, no conflicts (2 of 4 stars). 2 submissions from 2 submitters: Uncertain significance (2). Last evaluated 2025-12-12.

Conditions:
Hereditary cancer-predisposing syndrome. Also called: Hereditary neoplastic syndrome; Tumor predisposition; Neoplastic Syndromes, Hereditary; Hereditary Cancer Syndrome. Identifiers: Orphanet 140162, MedGen C0027672, MeSH D009386, MONDO:0015356.
Fanconi anemia complementation group J. Also called: BRIP1-Related Fanconi Anemia. Identifiers: Orphanet 84, MedGen C1836860, MONDO:0012187, OMIM 609054.
Familial cancer of breast. Also called: hereditary breast carcinoma; BREAST CANCER, FAMILIAL; Hereditary breast cancer. Identifiers: Orphanet 227535, MedGen C0346153, MONDO:0016419, OMIM 114480. Disease mechanism: loss of function.

Submissions (2):

Ambry Genetics
Classification: Uncertain significance for Hereditary cancer-predisposing syndrome. Last evaluated: 2025-12-12. Review status: criteria provided, single submitter. Criteria: Ambry Variant Classification Scheme 2023. Collection method: clinical testing. Allele origin: germline.
Comment: The p.L881W variant (also known as c.2642T>G), located in coding exon 18 of the BRIP1 gene, results from a T to G substitution at nucleotide position 2642. The leucine at codon 881 is replaced by tryptophan, an amino acid with similar properties. This amino acid position is highly conserved in available vertebrate species. In addition, this alteration is predicted to be deleterious by in silico analysis. Based on the available evidence, the clinical significance of this variant remains unclear.

Labcorp Genetics (formerly Invitae), Labcorp
Classification: Uncertain significance for Familial cancer of breast; Fanconi anemia complementation group J. Last evaluated: 2024-12-23. Review status: criteria provided, single submitter. Criteria: Invitae Variant Classification Sherloc (09022015). Collection method: clinical testing. Allele origin: germline.
Comment: This sequence change replaces leucine, which is neutral and non-polar, with tryptophan, which is neutral and slightly polar, at codon 881 of the BRIP1 protein (p.Leu881Trp). This variant is not present in population databases (gnomAD no frequency). This variant has not been reported in the literature in individuals affected with BRIP1-related conditions. ClinVar contains an entry for this variant (Variation ID: 859160). Invitae Evidence Modeling of protein sequence and biophysical properties (such as structural, functional, and spatial information, amino acid conservation, physicochemical variation, residue mobility, and thermodynamic stability) indicates that this missense variant is expected to disrupt BRIP1 protein function with a positive predictive value of 95%. In summary, the available evidence is currently insufficient to determine the role of this variant in disease. Therefore, it has been classified as a Variant of Uncertain Significance.

NM_032043.3(BRIP1):c.2642T>G (p.Leu881Trp)

Gene: BRIP1 (BRCA1 interacting DNA helicase 1; minus strand). Cytogenetic location: 17q23.2.
Variant type: single nucleotide variant.
Coding change: c.2642T>G on transcript NM_032043.3 (MANE Select); coding-DNA position 2642, T replaced by G.
Protein change: p.Leu881Trp; replaces leucine 881 with tryptophan.
Molecular consequence: missense variant.
Genome position (GRCh38, 1-based): chr17:61,686,099, A>C on the plus strand (T>G on the coding strand, the complement: BRIP1 is on the minus strand). VCF-style: chr17-61686099-A-C. GRCh37 (hg19) VCF-style: chr17-59763460-A-C.
Other names: short protein forms L881W.
Identifiers: ClinVar variation 859160 (VCV000859160.13), dbSNP rs2061359874, ClinGen allele CA400481880.